The following is an entry in ClinVar:

ClinVar aggregate classification (germline): Uncertain significance (1 of 4 stars; one submission).

Allele frequency attached by ClinVar (database versions not stated): gnomAD exomes below 0.00001.
gnomAD v4.1: 5 of 1,612,600 alleles (0.00031%); highest among the groups gnomAD compares: Non-Finnish European, 0.00034%; no homozygotes.

Submission:

Ambry Genetics
Classification: Uncertain significance. Last evaluated: 2022-10-30. Review status: criteria provided, single submitter. Criteria: Ambry Variant Classification Scheme 2023. Collection method: clinical testing. Allele origin: germline.
Comment: The p.T546A variant (also known as c.1636A>G), located in coding exon 11 of the POLQ gene, results from an A to G substitution at nucleotide position 1636. The threonine at codon 546 is replaced by alanine, an amino acid with similar properties. This amino acid position is conserved. In addition, this alteration is predicted to be tolerated by in silico analysis. Since supporting evidence is limited at this time, the clinical significance of this alteration remains unclear.

NM_199420.4(POLQ):c.1636A>G (p.Thr546Ala)

Gene: POLQ (DNA polymerase theta; minus strand). Cytogenetic location: 3q13.33.
Variant type: single nucleotide variant.
Coding change: c.1636A>G on transcript NM_199420.4 (MANE Select); coding-DNA position 1636, A replaced by G.
Protein change: p.Thr546Ala; replaces threonine 546 with alanine.
Molecular consequence: missense variant.
Genome position (GRCh38, 1-based): chr3:121,510,219, T>C on the plus strand (A>G on the coding strand, the complement: POLQ is on the minus strand). VCF-style: chr3-121510219-T-C. GRCh37 (hg19) VCF-style: chr3-121229066-T-C.
Other names: short protein forms T546A.
Identifiers: ClinVar variation 1776930 (VCV001776930.2), dbSNP rs1421542703, ClinGen allele CA354115249.